The following is an entry in ClinVar:

ClinVar aggregate classification (germline): Pathogenic (1 of 4 stars; one submission).

Conditions:
Very long chain acyl-CoA dehydrogenase deficiency (ACADVLD). Also called: Very Long-Chain Acyl-Coenzyme A Dehydrogenase Deficiency; VLCAD Deficiency. Identifiers: Orphanet 26793, MedGen C3887523, MONDO:0008723, OMIM 201475.

Submission:

Labcorp Genetics (formerly Invitae), Labcorp
Classification: Pathogenic for Very long chain acyl-CoA dehydrogenase deficiency. Last evaluated: 2023-11-19. Review status: criteria provided, single submitter. Criteria: Invitae Variant Classification Sherloc (09022015). Collection method: clinical testing. Allele origin: germline.
Comment: This sequence change creates a premature translational stop signal (p.Leu105Trpfs*11) in the ACADVL gene. It is expected to result in an absent or disrupted protein product. Loss-of-function variants in ACADVL are known to be pathogenic (PMID: 9973285, 11590124). This variant is not present in population databases (gnomAD no frequency). This variant has not been reported in the literature in individuals affected with ACADVL-related conditions. For these reasons, this variant has been classified as Pathogenic.

Literature cited by the submitters: PubMed 9973285; PubMed 11590124.

NM_000018.4(ACADVL):c.313_316del (p.Leu105fs)

Gene: ACADVL (acyl-CoA dehydrogenase very long chain; plus strand). Cytogenetic location: 17p13.1.
Variant type: Deletion.
Coding change: c.313_316del on transcript NM_000018.4 (MANE Select); coding-DNA positions 313 to 316, 4 bases deleted (CTGG; older notation c.313_316delCTGG).
Protein change: p.Leu105fs; shifts the reading frame from leucine 105.
Molecular consequence: frameshift variant.
Genome position (GRCh38, 1-based): chr17:7,220,801-7,220,804, CTGG deleted; deleting any 4 consecutive bases within chr17:7,220,800-7,220,804 gives the same sequence; the c. name uses the placement nearest the transcript's 3' end. VCF-style (leftmost placement, unchanged base first): chr17-7220799-AGCTG-A. GRCh37 (hg19) VCF-style: chr17-7124118-AGCTG-A.
Other names: c.247_250del, p.Leu83fs (NM_001033859.3); c.382_385del, p.Leu128fs (NM_001270447.2); c.85_88del, p.Leu29fs (NM_001270448.2); short protein forms L29fs, L83fs, L105fs, L128fs.
Identifiers: ClinVar variation 2697477 (VCV002697477.3), dbSNP rs2508257885, ClinGen allele CA2697557225.